The following is an entry in ClinVar:

NM_001927.4(DES):c.735_735+3dup

Gene: DES (desmin; plus strand). Cytogenetic location: 2q35.
Variant type: Duplication.
Coding change: c.735_735+3dup on transcript NM_001927.4 (MANE Select); coding-DNA position 735 through 3 bases into the intron after coding-DNA position 735, 4 bases duplicated (GGTA; older notation c.735_735+3dupGGTA).
Molecular consequence: splice donor variant. On other transcripts: intron variant (1).
Genome position (GRCh38, 1-based): chr2:219,420,346-219,420,349, GGTA duplicated; duplicating any 4 consecutive bases within chr2:219,420,345-219,420,349 gives the same sequence; the c. name uses the placement nearest the transcript's 3' end. VCF-style (leftmost placement, unchanged base first): chr2-219420344-G-GAGGT. GRCh37 (hg19) VCF-style: chr2-220285066-G-GAGGT.
Other names: c.735_735+3dup (NM_001382712.1, NM_001382711.1, NM_001382710.1 and 1 more transcripts); c.732_732+3dup (NM_001382708.1); c.496-179_496-176dup (NM_001382713.1).
Identifiers: ClinVar variation 945736 (VCV000945736.7), dbSNP rs1954413969, ClinGen allele CA1139655711.

ClinVar aggregate classification (germline): Uncertain significance (1 of 4 stars; one submission).

Conditions:
Desmin-related myofibrillar myopathy (MFM1). Also called: MYOFIBRILLAR MYOPATHY WITH ARRHYTHMOGENIC RIGHT VENTRICULAR CARDIOMYOPATHY; DESMIN-RELATED MYOPATHY WITH ARRHYTHMOGENIC RIGHT VENTRICULAR CARDIOMYOPATHY; Myofibrillar myopathy 1; Desminopathy; Desmin related myopathy (former name); Desmin storage myopathy (former name). Identifiers: Orphanet 363543, Orphanet 98909, MedGen C1832370, MONDO:0011076, OMIM 601419.

Submission:

Labcorp Genetics (formerly Invitae), Labcorp
Classification: Uncertain significance for Desmin-related myofibrillar myopathy. Last evaluated: 2025-09-24. Review status: criteria provided, single submitter. Criteria: Invitae Variant Classification Sherloc (09022015). Collection method: clinical testing. Allele origin: germline.
Comment: This sequence change falls in intron 3 of the DES gene. It does not directly change the encoded amino acid sequence of the DES protein. It affects a nucleotide within the consensus splice site. This variant is not present in population databases (gnomAD no frequency). This variant has not been reported in the literature in individuals affected with DES-related conditions. ClinVar contains an entry for this variant (Variation ID: 945736). Variants that disrupt the consensus splice site are a relatively common cause of aberrant splicing (PMID: 17576681, 9536098). Algorithms developed to predict the effect of sequence changes on RNA splicing suggest that this variant may disrupt the consensus splice site. In summary, the available evidence is currently insufficient to determine the role of this variant in disease. Therefore, it has been classified as a Variant of Uncertain Significance.

Literature cited by the submitters: PubMed 17576681; PubMed 9536098.